The following is an entry in ClinVar:

NM_001636.4(SLC25A6):c.687C>T (p.Tyr229=)

Gene: SLC25A6 (solute carrier family 25 member 6; minus strand). Cytogenetic location: Xp22.33.
Variant type: single nucleotide variant.
Coding change: c.687C>T on transcript NM_001636.4 (MANE Select); coding-DNA position 687, C replaced by T.
Protein change: p.Tyr229=; no amino-acid change (tyrosine 229 retained).
Molecular consequence: synonymous variant.
Genome position (GRCh38, 1-based): chrX:1,387,331, G>A on the plus strand (C>T on the coding strand, the complement: SLC25A6 is on the minus strand). VCF-style: chrX-1387331-G-A. GRCh37 (hg19) VCF-style: chrX-1506224-G-A.
Identifiers: ClinVar variation 3032859 (VCV003032859.2), dbSNP rs6644950, ClinGen allele CA10332364.

ClinVar aggregate classification (germline): Likely benign (0 of 4 stars; one submission).

Conditions:
SLC25A6-related disorder. Also called: SLC25A6-related condition.

Allele frequency attached by ClinVar (database versions not stated): ESP Exome Variant Server 0.00700; TOPMed 0.01193; gnomAD 0.01208; gnomAD exomes 0.01428; ExAC 0.01926; 1000 Genomes Project 30x 0.02851; 1000 Genomes Project 0.03020.
gnomAD v4.1: 22,693 of 1,613,348 alleles (1.4%); highest among the groups gnomAD compares: East Asian, 12%; 481 homozygotes.

Submission:

PreventionGenetics, part of Exact Sciences
Classification: Likely benign for SLC25A6-related condition. Last evaluated: 2021-02-16. Review status: no assertion criteria provided. Collection method: clinical testing. Allele origin: germline.
Comment: This variant is classified as likely benign based on ACMG/AMP sequence variant interpretation guidelines (Richards et al. 2015 PMID: 25741868, with internal and published modifications).